The following is an entry in ClinVar:

ClinVar aggregate classification (germline): Uncertain significance (1 of 4 stars; one submission).

Conditions:
Pitt-Hopkins-like syndrome 2 (PTHSL2). Identifiers: Orphanet 221150, Orphanet 600663, MedGen C3280479, MONDO:0013690, OMIM 614325.

Allele frequency attached by ClinVar (database versions not stated): gnomAD exomes below 0.00001.
gnomAD v4.1: 1 of 1,611,144 alleles (0.000062%); highest among the groups gnomAD compares: African/African-American, 0.0013%; no homozygotes.

Submission:

Labcorp Genetics (formerly Invitae), Labcorp
Classification: Uncertain significance for Pitt-Hopkins-like syndrome 2. Last evaluated: 2024-05-15. Review status: criteria provided, single submitter. Criteria: Invitae Variant Classification Sherloc (09022015). Collection method: clinical testing. Allele origin: germline.
Comment: This sequence change replaces glycine, which is neutral and non-polar, with tryptophan, which is neutral and slightly polar, at codon 182 of the NRXN1 protein (p.Gly182Trp). This variant is not present in population databases (gnomAD no frequency). This variant has not been reported in the literature in individuals affected with NRXN1-related conditions. An algorithm developed to predict the effect of missense changes on protein structure and function (PolyPhen-2) suggests that this variant is likely to be disruptive. In summary, the available evidence is currently insufficient to determine the role of this variant in disease. Therefore, it has been classified as a Variant of Uncertain Significance.

NM_001330078.2(NRXN1):c.544G>T (p.Gly182Trp)

Gene: NRXN1 (neurexin 1; minus strand). Cytogenetic location: 2p16.3.
Variant type: single nucleotide variant.
Coding change: c.544G>T on transcript NM_001330078.2 (MANE Select); coding-DNA position 544, G replaced by T.
Protein change: p.Gly182Trp; replaces glycine 182 with tryptophan.
Molecular consequence: missense variant.
Genome position (GRCh38, 1-based): chr2:51,027,730, C>A on the plus strand (G>T on the coding strand, the complement: NRXN1 is on the minus strand). VCF-style: chr2-51027730-C-A. GRCh37 (hg19) VCF-style: chr2-51254868-C-A.
Other names: c.544G>T, p.Gly182Trp (NM_001135659.3, NM_001330077.2, NM_001330079.2 and 15 more transcripts); short protein forms G182W.
Identifiers: ClinVar variation 2704757 (VCV002704757.3), dbSNP rs2468074075, ClinGen allele CA346823790.